The following is an entry in ClinVar:

NM_000059.4(BRCA2):c.3803C>T (p.Ser1268Phe)

Gene: BRCA2 (BRCA2 DNA repair associated; plus strand). Cytogenetic location: 13q13.1.
Variant type: single nucleotide variant.
Coding change: c.3803C>T on transcript NM_000059.4 (MANE Select); coding-DNA position 3803, C replaced by T.
Protein change: p.Ser1268Phe; replaces serine 1268 with phenylalanine.
Molecular consequence: missense variant.
Genome position (GRCh38, 1-based): chr13:32,338,158, C>T. VCF-style: chr13-32338158-C-T. GRCh37 (hg19) VCF-style: chr13-32912295-C-T.
Other names: short protein forms S1268F.
Identifiers: ClinVar variation 232211 (VCV000232211.18), dbSNP rs876659620, ClinGen allele CA10579590.

ClinVar aggregate classification (germline): Conflicting classifications of pathogenicity. Review status: criteria provided, conflicting classifications (1 of 4 stars). 3 submissions from 3 submitters: Uncertain significance (2); Likely benign (1). Last evaluated 2025-03-03.

Conditions:
Hereditary cancer-predisposing syndrome. Also called: Neoplastic Syndromes, Hereditary; Tumor predisposition; Hereditary Cancer Syndrome; Hereditary neoplastic syndrome. Identifiers: Orphanet 140162, MedGen C0027672, MeSH D009386, MONDO:0015356.
Hereditary breast ovarian cancer syndrome. Also called: BRCA1- and BRCA2-Associated Hereditary Breast and Ovarian Cancer; Hereditary breast and ovarian cancer syndrome; Hereditary breast and ovarian cancer; Hereditary breast and ovarian cancer syndrome (HBOC); Breast and ovarian cancer; Hereditary breast and/or ovarian cancer syndrome. Identifiers: Orphanet 145, MedGen C0677776, MeSH D061325, MONDO:0003582. Disease mechanism: loss of function.

Submissions (3):

Ambry Genetics
Classification: Uncertain significance for Hereditary cancer-predisposing syndrome. Last evaluated: 2025-03-03. Review status: criteria provided, single submitter. Criteria: Ambry Variant Classification Scheme 2023. Collection method: clinical testing. Allele origin: germline.
Comment: The p.S1268F variant (also known as c.3803C>T or 4031C>T), located in coding exon 10 of the BRCA2 gene, results from a C to T substitution at nucleotide position 3803. The serine at codon 1268 is replaced by phenylalanine, an amino acid with highly dissimilar properties. This amino acid position is highly conserved in available vertebrate species. In addition, the in silico prediction for this alteration is inconclusive. Based on the available evidence, the clinical significance of this variant remains unclear.

Labcorp Genetics (formerly Invitae), Labcorp
Classification: Uncertain significance for Hereditary breast ovarian cancer syndrome. Last evaluated: 2023-09-09. Review status: criteria provided, single submitter. Criteria: Invitae Variant Classification Sherloc (09022015). Collection method: clinical testing. Allele origin: germline.
Comment: In summary, the available evidence is currently insufficient to determine the role of this variant in disease. Therefore, it has been classified as a Variant of Uncertain Significance. Advanced modeling of protein sequence and biophysical properties (such as structural, functional, and spatial information, amino acid conservation, physicochemical variation, residue mobility, and thermodynamic stability) performed at Invitae indicates that this missense variant is not expected to disrupt BRCA2 protein function. ClinVar contains an entry for this variant (Variation ID: 232211). This missense change has been observed in individual(s) with clinical features of BRCA2-related conditions (PMID: 21520333). This variant is not present in population databases (gnomAD no frequency). This sequence change replaces serine, which is neutral and polar, with phenylalanine, which is neutral and non-polar, at codon 1268 of the BRCA2 protein (p.Ser1268Phe).

University of Washington Department of Laboratory Medicine, University of Washington
Classification: Likely benign for Hereditary cancer-predisposing syndrome. Last evaluated: 2023-03-23. Review status: criteria provided, single submitter. Criteria: Dines et al. (Genet Med. 2020). Collection method: curation. Allele origin: germline.
Comment: Missense variant in a coldspot region where missense variants are very unlikely to be pathogenic (PMID:31911673).

BRCA2 exon 11 coldspot. Reclassification based on statistical prior probability.

Literature cited by the submitters: PubMed 21520333 (cited by Labcorp Genetics (formerly Invitae), Labcorp).